The following is an entry in ClinVar:

NM_001101362.3(KBTBD13):c.177C>G (p.Arg59=)

Gene: KBTBD13 (kelch repeat and BTB domain containing 13; plus strand). Cytogenetic location: 15q22.31.
Variant type: single nucleotide variant.
Coding change: c.177C>G on transcript NM_001101362.3 (MANE Select); coding-DNA position 177, C replaced by G.
Protein change: p.Arg59=; no amino-acid change (arginine 59 retained).
Molecular consequence: synonymous variant.
Genome position (GRCh38, 1-based): chr15:65,076,992, C>G. VCF-style: chr15-65076992-C-G. GRCh37 (hg19) VCF-style: chr15-65369330-C-G.
Identifiers: ClinVar variation 4754324 (VCV004754324.1).
Genomic context (GRCh38, chr15:65,076,992, plus strand): 5'-CATGCGGGAGACCCGCGCAGCAGAGGTGCGCCTGGGCGTTCTGAGCGCGGGAGGTTTCCG[C>G]GCCACGCTGCAGGTGCTGCGCGGCGACCGGCCGGCGCTGGCGGCGGAGGACGAGCTGCTG-3'
Protein context (NP_001094832.1, residues 49-69): RLGVLSAGGF[Arg59=]ATLQVLRGDR

ClinVar aggregate classification (germline): Uncertain significance (1 of 4 stars; one submission).

Conditions:
Nemaline myopathy 6 (NEM6). Also called: Nemaline myopathy 6, autosomal dominant. Identifiers: Orphanet 171439, MedGen C1836472, MONDO:0012237, OMIM 609273.

Submission:

Labcorp Genetics (formerly Invitae), Labcorp
Classification: Uncertain significance for Nemaline myopathy 6. Last evaluated: 2025-04-02. Review status: criteria provided, single submitter. Criteria: Invitae Variant Classification Sherloc (09022015). Collection method: clinical testing. Allele origin: germline.
Comment: This sequence change affects codon 59 of the KBTBD13 mRNA. It is a 'silent' change, meaning that it does not change the encoded amino acid sequence of the KBTBD13 protein. This variant is present in population databases (no rsID available, gnomAD 0.002%). This variant has not been reported in the literature in individuals affected with KBTBD13-related conditions. In summary, the available evidence is currently insufficient to determine the role of this variant in disease. Therefore, it has been classified as a Variant of Uncertain Significance.